The following is an entry in ClinVar:

ClinVar aggregate classification (germline): Likely benign (0 of 4 stars; one submission).

Conditions:
PXDN-related disorder. Also called: PXDN-related condition.

Submission:

PreventionGenetics, part of Exact Sciences
Classification: Likely benign for PXDN-related condition. Last evaluated: 2019-02-21. Review status: no assertion criteria provided. Collection method: clinical testing. Allele origin: germline.
Comment: This variant is classified as likely benign based on ACMG/AMP sequence variant interpretation guidelines (Richards et al. 2015 PMID: 25741868, with internal and published modifications).

NM_012293.3(PXDN):c.1837+9C>A

Gene: PXDN (peroxidasin; minus strand). Cytogenetic location: 2p25.3.
Variant type: single nucleotide variant.
Coding change: c.1837+9C>A on transcript NM_012293.3 (MANE Select); 9 bases into the intron after coding-DNA position 1837, C replaced by A.
Molecular consequence: intron variant.
Genome position (GRCh38, 1-based): chr2:1,660,872, G>T on the plus strand (C>A on the coding strand, the complement: PXDN is on the minus strand). VCF-style: chr2-1660872-G-T. GRCh37 (hg19) VCF-style: chr2-1664644-G-T.
Identifiers: ClinVar variation 3058264 (VCV003058264.2), dbSNP rs1405574959, ClinGen allele CA2740092676.